The following is an entry in ClinVar:

ClinVar aggregate classification (germline): Pathogenic (1 of 4 stars; one submission).

Conditions:
Hereditary cancer-predisposing syndrome. Also called: Neoplastic Syndromes, Hereditary; Tumor predisposition; Hereditary Cancer Syndrome; Hereditary neoplastic syndrome. Identifiers: Orphanet 140162, MedGen C0027672, MeSH D009386, MONDO:0015356.

Submission:

Ambry Genetics
Classification: Pathogenic for Hereditary cancer-predisposing syndrome. Last evaluated: 2020-02-18. Review status: criteria provided, single submitter. Criteria: Ambry Variant Classification Scheme 2023. Collection method: clinical testing. Allele origin: germline.
Comment: The c.186delT pathogenic mutation, located in coding exon 3 of the SDHA gene, results from a deletion of one nucleotide at nucleotide position 186, causing a translational frameshift with a predicted alternate stop codon (p.F62Lfs*6). This alteration is expected to result in loss of function by premature protein truncation or nonsense-mediated mRNA decay. As such, this alteration is interpreted as a disease-causing mutation.

NM_004168.4(SDHA):c.186del (p.Phe62fs)

Gene: SDHA (succinate dehydrogenase complex flavoprotein subunit A; plus strand). Cytogenetic location: 5p15.33.
Variant type: Deletion.
Coding change: c.186del on transcript NM_004168.4 (MANE Select); coding-DNA position 186, one base deleted (T; older notation c.186delT).
Protein change: p.Phe62fs; shifts the reading frame from phenylalanine 62.
Molecular consequence: frameshift variant.
Genome position (GRCh38, 1-based): chr5:224,395, T deleted; the last of 3 consecutive T bases (chr5:224,393-224,395); deleting any one gives the same sequence. VCF-style (leftmost placement, unchanged base first): chr5-224392-AT-A. GRCh37 (hg19) VCF-style: chr5-224507-AT-A.
Other names: c.186del, p.Phe62fs (NM_001294332.2, NM_001330758.2); short protein forms F62fs.
Identifiers: ClinVar variation 1781657 (VCV001781657.2), dbSNP rs2477285645, ClinGen allele CA2580073081.